The following is an entry in ClinVar:

NM_000214.3(JAG1):c.560G>C (p.Cys187Ser)

Gene: JAG1 (jagged canonical Notch ligand 1; minus strand). Cytogenetic location: 20p12.2.
Variant type: single nucleotide variant.
Coding change: c.560G>C on transcript NM_000214.3 (MANE Select); coding-DNA position 560, G replaced by C.
Protein change: p.Cys187Ser; replaces cysteine 187 with serine.
Molecular consequence: missense variant.
Genome position (GRCh38, 1-based): chr20:10,658,602, C>G on the plus strand (G>C on the coding strand, the complement: JAG1 is on the minus strand). VCF-style: chr20-10658602-C-G. GRCh37 (hg19) VCF-style: chr20-10639250-C-G.
Other names: short protein forms C187S.
Identifiers: ClinVar variation 3573064 (VCV003573064.2).

Conditions:
Arteriohepatic dysplasia. Also called: Alagille Syndrome. Identifiers: Orphanet 52, MedGen C0085280, MeSH D016738, MONDO:0007318.

Submission:

Gilbert/Spinner Lab, Children's Hospital of Philadelphia
No classification provided (evidence only). Condition: Alagille syndrome. Review status: no classification provided. Collection method: research. Allele origin: not applicable. Functional consequence: functionally_abnormal.
ClinVar note: "not provided" was previously submitted as the classification for the variant. However, the classification appeared to be based only on an observation of functional data so it was converted to no classification on 2025-07-30.